The following is an entry in ClinVar:

NM_001080421.3(UNC13A):c.3658C>T (p.Arg1220Cys)

Gene: UNC13A (unc-13 homolog A; minus strand). Cytogenetic location: 19p13.11.
Variant type: single nucleotide variant.
Coding change: c.3658C>T on transcript NM_001080421.3 (MANE Select); coding-DNA position 3658, C replaced by T.
Protein change: p.Arg1220Cys; replaces arginine 1220 with cysteine.
Molecular consequence: missense variant.
Genome position (GRCh38, 1-based): chr19:17,630,156, G>A on the plus strand (C>T on the coding strand, the complement: UNC13A is on the minus strand). VCF-style: chr19-17630156-G-A. GRCh37 (hg19) VCF-style: chr19-17740965-G-A.
Other names: c.3652C>T, p.Arg1218Cys (NM_001387021.1, NM_001387022.1, NM_001387023.1); short protein forms R1218C, R1220C.
Identifiers: ClinVar variation 4886136 (VCV004886136.2).

ClinVar aggregate classification (germline): Uncertain significance (1 of 4 stars; one submission).

gnomAD v4.1: 6 of 1,551,840 alleles (0.00039%); highest among the groups gnomAD compares: Non-Finnish European, 0.00026%; no homozygotes.

Submission:

Dasa
Classification: Uncertain significance. Last evaluated: 2026-01-22. Review status: criteria provided, single submitter. Criteria: DASA Assertion Criteria. Collection method: clinical testing. Allele origin: germline.
Comment: NM_001080421.3(UNC13A):c.3658C>T (p.Arg1220Cys) is a missense variant that results in the substitution of arginine with cysteine. This variant is rare in population databases. Computational prediction algorithms are consistent with a deleterious effect. The currently available literature and clinical evidence are not sufficient to establish a definitive association between this variant and the reported condition. Therefore, this variant is classified as a variant of uncertain significance.